The following is an entry in ClinVar:

ClinVar aggregate classification (germline): Uncertain significance (1 of 4 stars; one submission).

Allele frequency attached by ClinVar (database versions not stated): ExAC 0.00015; ESP Exome Variant Server 0.00015; gnomAD exomes 0.00015; gnomAD 0.00019; 1000 Genomes Project 0.00020; TOPMed 0.00026; 1000 Genomes Project 30x 0.00047.
gnomAD v4.1: 256 of 1,614,096 alleles (0.016%); highest among the groups gnomAD compares: East Asian, 0.036%; 1 homozygote.

Submission:

Ambry Genetics
Classification: Uncertain significance. Last evaluated: 2024-11-15. Review status: criteria provided, single submitter. Criteria: Ambry Variant Classification Scheme 2023. Collection method: clinical testing. Allele origin: germline.
Comment: The p.I193T variant (also known as c.578T>C), located in coding exon 6 of the NQO1 gene, results from a T to C substitution at nucleotide position 578. The isoleucine at codon 193 is replaced by threonine, an amino acid with similar properties. This amino acid position is conserved. In addition, this alteration is predicted to be tolerated by in silico analysis. Since supporting evidence is limited at this time, the clinical significance of this alteration remains unclear.

NM_000903.3(NQO1):c.578T>C (p.Ile193Thr)

Gene: NQO1 (NAD(P)H quinone dehydrogenase 1; minus strand). Cytogenetic location: 16q22.1.
Variant type: single nucleotide variant.
Coding change: c.578T>C on transcript NM_000903.3 (MANE Select); coding-DNA position 578, T replaced by C.
Protein change: p.Ile193Thr; replaces isoleucine 193 with threonine.
Molecular consequence: missense variant.
Genome position (GRCh38, 1-based): chr16:69,711,223, A>G on the plus strand (T>C on the coding strand, the complement: NQO1 is on the minus strand). VCF-style: chr16-69711223-A-G. GRCh37 (hg19) VCF-style: chr16-69745126-A-G.
Other names: c.476T>C, p.Ile159Thr (NM_001025433.2); c.464T>C, p.Ile155Thr (NM_001025434.2); c.362T>C, p.Ile121Thr (NM_001286137.2); short protein forms I155T, I193T, I159T, I121T.
Identifiers: ClinVar variation 2457825 (VCV002457825.3), dbSNP rs145187221, ClinGen allele CA8136163.